The following is an entry in ClinVar:

ClinVar aggregate classification (germline): Uncertain significance. Review status: criteria provided, multiple submitters, no conflicts (2 of 4 stars). 2 submissions from 2 submitters: Uncertain significance (2). Last evaluated 2025-12-16.

Conditions:
Inborn genetic diseases. Identifiers: MedGen C0950123, MeSH D030342.

Allele frequency attached by ClinVar (database versions not stated): gnomAD 0.00001; gnomAD exomes 0.00002; TOPMed 0.00002; ExAC 0.00003.
gnomAD v4.1: 39 of 1,613,998 alleles (0.0024%); highest among the groups gnomAD compares: South Asian, 0.021%; no homozygotes.

Submissions (2):

Ambry Genetics
Classification: Uncertain significance for Inborn genetic diseases. Last evaluated: 2025-12-16. Review status: criteria provided, single submitter. Criteria: Ambry Variant Classification Scheme 2023. Collection method: clinical testing. Allele origin: germline.

Labcorp Genetics (formerly Invitae), Labcorp
Classification: Uncertain significance. Last evaluated: 2024-02-02. Review status: criteria provided, single submitter. Criteria: Invitae Variant Classification Sherloc (09022015). Collection method: clinical testing. Allele origin: germline.
Comment: This sequence change replaces arginine, which is basic and polar, with histidine, which is basic and polar, at codon 614 of the NFKB1 protein (p.Arg614His). This variant is present in population databases (rs773613546, gnomAD 0.02%). This variant has not been reported in the literature in individuals affected with NFKB1-related conditions. ClinVar contains an entry for this variant (Variation ID: 1405512). Advanced modeling of protein sequence and biophysical properties (such as structural, functional, and spatial information, amino acid conservation, physicochemical variation, residue mobility, and thermodynamic stability) performed at Invitae indicates that this missense variant is not expected to disrupt NFKB1 protein function with a negative predictive value of 80%. In summary, the available evidence is currently insufficient to determine the role of this variant in disease. Therefore, it has been classified as a Variant of Uncertain Significance.

NM_003998.4(NFKB1):c.1841G>A (p.Arg614His)

Gene: NFKB1 (nuclear factor kappa B subunit 1; plus strand). Cytogenetic location: 4q24.
Variant type: single nucleotide variant.
Coding change: c.1841G>A on transcript NM_003998.4 (MANE Select); coding-DNA position 1841, G replaced by A.
Protein change: p.Arg614His; replaces arginine 614 with histidine.
Molecular consequence: missense variant.
Genome position (GRCh38, 1-based): chr4:102,606,584, G>A. VCF-style: chr4-102606584-G-A. GRCh37 (hg19) VCF-style: chr4-103527741-G-A.
Other names: c.1838G>A, p.Arg613His (NM_001165412.2, NM_001319226.2, NM_001382627.1); c.1841G>A, p.Arg614His (NM_001382625.1, NM_001382626.1); c.1799G>A, p.Arg600His (NM_001382628.1); c.1841G>A (NM_003998.3); short protein forms R613H, R600H, R614H.
Identifiers: ClinVar variation 1405512 (VCV001405512.8), dbSNP rs773613546, ClinGen allele CA3026262.